The following is an entry in ClinVar:

NM_001482.3(GATM):c.125C>T (p.Ala42Val)

Gene: GATM (glycine amidinotransferase; minus strand). Cytogenetic location: 15q21.1.
Variant type: single nucleotide variant.
Coding change: c.125C>T on transcript NM_001482.3 (MANE Select); coding-DNA position 125, C replaced by T.
Protein change: p.Ala42Val; replaces alanine 42 with valine.
Molecular consequence: missense variant. On other transcripts: 5 prime UTR variant (1).
Genome position (GRCh38, 1-based): chr15:45,376,764, G>A on the plus strand (C>T on the coding strand, the complement: GATM is on the minus strand). VCF-style: chr15-45376764-G-A. GRCh37 (hg19) VCF-style: chr15-45668962-G-A.
Other names: c.125C>T (NM_001482.2); c.-263C>T (NM_001321015.2); short protein forms A42V.
Identifiers: ClinVar variation 3692992 (VCV003692992.3).

ClinVar aggregate classification (germline): Uncertain significance. Review status: criteria provided, multiple submitters, no conflicts (2 of 4 stars). 2 submissions from 2 submitters: Uncertain significance (2). Last evaluated 2025-05-01.

Conditions:
Arginine:glycine amidinotransferase deficiency (CCDS3). Also called: AGAT deficiency; L-Arginine:Glycine Amidinotransferase Deficiency; Creatine deficiency syndrome due to AGAT deficiency; GATM deficiency; L-Arginine:Glycine Amidinotransferase (AGAT) Deficiency; Cerebral creatine deficiency syndrome 3. Identifiers: Orphanet 35704, MedGen C2675179, MONDO:0012996, OMIM 612718.
Inborn genetic diseases. Identifiers: MedGen C0950123, MeSH D030342.

Submissions (2):

Ambry Genetics
Classification: Uncertain significance for Inborn genetic diseases. Last evaluated: 2025-05-01. Review status: criteria provided, single submitter. Criteria: Ambry Variant Classification Scheme 2023. Collection method: clinical testing. Allele origin: germline.

Labcorp Genetics (formerly Invitae), Labcorp
Classification: Uncertain significance for Arginine:glycine amidinotransferase deficiency. Last evaluated: 2024-11-13. Review status: criteria provided, single submitter. Criteria: Invitae Variant Classification Sherloc (09022015). Collection method: clinical testing. Allele origin: germline.
Comment: This sequence change replaces alanine, which is neutral and non-polar, with valine, which is neutral and non-polar, at codon 42 of the GATM protein (p.Ala42Val). The frequency data for this variant in the population databases is considered unreliable, as metrics indicate poor data quality at this position in the gnomAD database. This variant has not been reported in the literature in individuals affected with GATM-related conditions. Invitae Evidence Modeling of protein sequence and biophysical properties (such as structural, functional, and spatial information, amino acid conservation, physicochemical variation, residue mobility, and thermodynamic stability) indicates that this missense variant is not expected to disrupt GATM protein function with a negative predictive value of 95%. In summary, the available evidence is currently insufficient to determine the role of this variant in disease. Therefore, it has been classified as a Variant of Uncertain Significance.